The following is an entry in ClinVar:

ClinVar aggregate classification (germline): Pathogenic (1 of 4 stars; one submission).

Conditions:
Medium-chain acyl-coenzyme A dehydrogenase deficiency (ACADMD). Also called: MCADD; MCADH DEFICIENCY; Medium chain acyl-CoA dehydrogenase deficiency; ACADM DEFICIENCY; CARNITINE DEFICIENCY SECONDARY TO MEDIUM-CHAIN ACYL-CoA DEHYDROGENASE DEFICIENCY; MCAD Deficiency. Identifiers: Orphanet 42, MedGen C0220710, MONDO:0008721, OMIM 201450.

Submission:

Labcorp Genetics (formerly Invitae), Labcorp
Classification: Pathogenic for Medium-chain acyl-coenzyme A dehydrogenase deficiency. Last evaluated: 2021-12-25. Review status: criteria provided, single submitter. Criteria: Invitae Variant Classification Sherloc (09022015). Collection method: clinical testing. Allele origin: germline.
Comment: For these reasons, this variant has been classified as Pathogenic. This variant has not been reported in the literature in individuals affected with ACADM-related conditions. This variant is not present in population databases (gnomAD no frequency). This sequence change creates a premature translational stop signal (p.Phe55Asnfs*31) in the ACADM gene. It is expected to result in an absent or disrupted protein product. Loss-of-function variants in ACADM are known to be pathogenic (PMID: 16121256, 20434380).

Literature cited by the submitters: PubMed 16121256; PubMed 20434380.

NM_000016.6(ACADM):c.136_158dup (p.Phe55fs)

Gene: ACADM (acyl-CoA dehydrogenase medium chain; plus strand). Cytogenetic location: 1p31.1.
Variant type: Duplication.
Coding change: c.136_158dup on transcript NM_000016.6 (MANE Select); coding-DNA positions 136 to 158, 23 bases duplicated (AAAGAATTTCAAGCTACTGCTCG).
Protein change: p.Phe55fs; shifts the reading frame from phenylalanine 55.
Molecular consequence: frameshift variant. On other transcripts: 5 prime UTR variant (1).
Genome position (GRCh38, 1-based): chr1:75,732,661-75,732,683, AAAGAATTTCAAGCTACTGCTCG duplicated; duplicating any 23 consecutive bases within chr1:75,732,660-75,732,683 gives the same sequence; the c. name uses the placement nearest the transcript's 3' end. VCF-style (leftmost placement, unchanged base first): chr1-75732659-A-AGAAAGAATTTCAAGCTACTGCTC. GRCh37 (hg19) VCF-style: chr1-76198344-A-AGAAAGAATTTCAAGCTACTGCTC.
Other names: c.148_170dup, p.Phe59fs (NM_001127328.3); c.28_50dup, p.Phe19fs (NM_001286042.2); c.136_158dup, p.Phe55fs (NM_001286043.2); c.-250_-228dup (NM_001286044.2); short protein forms F19fs, F55fs, F59fs.
Identifiers: ClinVar variation 2420712 (VCV002420712.6), dbSNP rs2525572068, ClinGen allele CA2580063236.
Genomic context (GRCh38, chr1:75,732,659, plus strand): 5'-TTCCTTGTTATCCAGTTTTAACTTTTCTAAATAATTTTCCCTTAGAGTTCACCGAACAGC[A>AGAAAGAATTTCAAGCTACTGCTC]GAAAGAATTTCAAGCTACTGCTCGTAAATTTGCCAGAGAGGAAATCATCCCAGTGGCTGC-3'